The following is an entry in ClinVar:

NM_001205019.2(GK):c.89C>A (p.Ser30Ter)

Gene: GK (glycerol kinase; plus strand). Cytogenetic location: Xp21.2.
Variant type: single nucleotide variant.
Coding change: c.89C>A on transcript NM_001205019.2 (MANE Select); coding-DNA position 89, C replaced by A.
Protein change: p.Ser30Ter; replaces serine 30 with a stop codon.
Molecular consequence: nonsense. On other transcripts: non-coding transcript variant (3).
Genome position (GRCh38, 1-based): chrX:30,665,521, C>A. VCF-style: chrX-30665521-C-A. GRCh37 (hg19) VCF-style: chrX-30683638-C-A.
Other names: c.89C>A, p.Ser30Ter (NM_000167.6, NM_001128127.3, NM_001399987.1 and 1 more transcripts); short protein forms S30*.
Identifiers: ClinVar variation 2631112 (VCV002631112.1), dbSNP rs2519209274, ClinGen allele CA412642769.

ClinVar aggregate classification (germline): Likely pathogenic (1 of 4 stars; one submission).

Conditions:
GK-related disorder. Also called: GK-related condition.

Submission:

PreventionGenetics, part of Exact Sciences
Classification: Likely pathogenic for GK-related condition. Last evaluated: 2023-09-08. Review status: criteria provided, single submitter. Criteria: ACMG Guidelines, 2015. Collection method: clinical testing. Allele origin: germline.
Comment: The GK c.89C>A variant is predicted to result in premature protein termination (p.Ser30*). To our knowledge, this variant has not been reported in the literature or in a large population database, indicating this variant is rare. Nonsense variants in GK are expected to be pathogenic. This variant is interpreted as likely pathogenic.